The following is an entry in ClinVar:

NM_001384140.1(PCDH15):c.1150G>T (p.Glu384Ter)

Gene: PCDH15 (protocadherin related 15; minus strand). Cytogenetic location: 10q21.1.
Variant type: single nucleotide variant.
Coding change: c.1150G>T on transcript NM_001384140.1 (MANE Select); coding-DNA position 1150, G replaced by T.
Protein change: p.Glu384Ter; replaces glutamic acid 384 with a stop codon.
Molecular consequence: nonsense.
Genome position (GRCh38, 1-based): chr10:54,195,838, C>A on the plus strand (G>T on the coding strand, the complement: PCDH15 is on the minus strand). VCF-style: chr10-54195838-C-A. GRCh37 (hg19) VCF-style: chr10-55955598-C-A.
Other names: c.1165G>T, p.Glu389Ter (NM_001142763.2, NM_001142769.4, NM_001142771.2); c.1150G>T, p.Glu384Ter (NM_001142764.2, NM_001142765.2, NM_001142766.2 and 7 more transcripts); c.1039G>T, p.Glu347Ter (NM_001142767.2); c.1084G>T, p.Glu362Ter (NM_001142768.2, NM_001142773.2, NM_001354404.2); short protein forms E347*, E362*, E384*, E389*.
Identifiers: ClinVar variation 3601600 (VCV003601600.1).
Genomic context (GRCh38, chr10:54,195,838, plus strand): 5'-TATAGCCTTGATAACTGGGCATTGTAAAATATGGACTTTGATTGTTTTCATCCAGTATTT[C>A]AATGTGTAGACCGGCAAAGGCAGGAAGAGGATGACCATTGTCTTGTTCAGCCTAAAATTG-3'

ClinVar aggregate classification (germline): Likely pathogenic (1 of 4 stars; one submission).

Conditions:
Autosomal recessive nonsyndromic hearing loss 23. Identifiers: Orphanet 90636, MedGen C1836027, MONDO:0012293, OMIM 609533.

Submission:

Institute of Rare Diseases, West China Hospital, Sichuan University
Classification: Likely pathogenic for Autosomal recessive nonsyndromic hearing loss 23. Last evaluated: 2025-01-09. Review status: criteria provided, single submitter. Criteria: ClinGen HL ACMG Specifications v1. Collection method: research. Allele origin: germline. Affected: yes.
Comment: PVS1;PM2_Supporting